The following is an entry in ClinVar:

NC_000005.9:g.(?_112173731)_(112343239_?)del

Genes: APC (APC regulator of Wnt signaling pathway; plus strand), SRP19 (signal recognition particle 19; plus strand), DCP2 (decapping mRNA 2; plus strand), REEP5 (receptor accessory protein 5; minus strand). Cytogenetic location: 5q22.2.
Variant type: Deletion.
Identifiers: ClinVar variation 1406828 (VCV001406828.4).

ClinVar aggregate classification (germline): Pathogenic (1 of 4 stars; one submission).

Conditions:
Familial adenomatous polyposis 1 (FAP1). Also called: POLYPOSIS, ADENOMATOUS INTESTINAL; FAMILIAL ADENOMATOUS POLYPOSIS 1, ATTENUATED. Identifiers: MedGen C2713442, MONDO:0021056, OMIM 175100. Disease mechanism: loss of function.

Submission:

Labcorp Genetics (formerly Invitae), Labcorp
Classification: Pathogenic for Familial adenomatous polyposis 1. Last evaluated: 2021-08-10. Review status: criteria provided, single submitter. Criteria: Invitae Variant Classification Sherloc (09022015). Collection method: clinical testing. Allele origin: germline.
Comment: This variant deletes approximately 70% of the APC protein including the 15- or 20-residue repeat domain, the SAMP repeats, the basic domain, and C-terminal domains which are important for correct APC protein function (PMID: 11257105, 14672538). While functional studies have not been performed to directly test the effect of this variant on APC protein function, this suggests that disruption of this region of the protein is causative of disease. This variant has not been reported in the literature in individuals affected with APC-related conditions. This variant results in the deletion of part of exon 16 (c.2440_*163416delinsCCG) of the APC gene. While this deletion is not anticipated to lead to nonsense mediated decay, it is expected to alter mRNA translation or result in a truncated protein product. For these reasons, this variant has been classified as Pathogenic.

Literature cited by the submitters: PubMed 11257105; PubMed 14672538.